The following is an entry in ClinVar:

NM_003114.5(SPAG1):c.1103C>T (p.Ala368Val)

Gene: SPAG1 (sperm associated antigen 1; plus strand). Cytogenetic location: 8q22.2.
Variant type: single nucleotide variant.
Coding change: c.1103C>T on transcript NM_003114.5 (MANE Select); coding-DNA position 1103, C replaced by T.
Protein change: p.Ala368Val; replaces alanine 368 with valine.
Molecular consequence: missense variant.
Genome position (GRCh38, 1-based): chr8:100,213,096, C>T. VCF-style: chr8-100213096-C-T. GRCh37 (hg19) VCF-style: chr8-101225324-C-T.
Other names: p.Ala368Val; c.1103C>T, p.Ala368Val (NM_001374321.1, NM_172218.3); short protein forms A368V.
Identifiers: ClinVar variation 242010 (VCV000242010.18), dbSNP rs752257877, ClinGen allele CA4827464.
Genomic context (GRCh38, chr8:100,213,096, plus strand): 5'-GGCAACTGCTCCCGGTGATGCAAACCCTCACTTCCCGCATCCACTTCCTCACAGAGCCCG[C>T]GGAGCCGGCGGGAGCCGCGCGCGCCGCCCAGCCGTGCGTCATGGGCAACATCCAGAAGAA-3'
Protein context (NP_003105.2, residues 358-378): HEDGGGDKKP[Ala368Val]EPAGAARAAQ

ClinVar aggregate classification (germline): Benign/Likely benign. Review status: criteria provided, multiple submitters, no conflicts (2 of 4 stars). 5 submissions from 5 submitters: Benign (2); Likely benign (2). 1 of the submissions does not count toward it. Last evaluated 2026-02-03.

Conditions:
SPAG1-related disorder. Also called: SPAG1-related condition.
Primary ciliary dyskinesia 28. Also called: CILIARY DYSKINESIA, PRIMARY, 28, WITH OR WITHOUT SITUS INVERSUS. Identifiers: Orphanet 244, MedGen C3809706, MONDO:0014216, OMIM 615505.
Primary ciliary dyskinesia. Also called: Ciliary dyskinesia. Identifiers: Orphanet 244, MedGen C0008780, MONDO:0016575, HP:0012265.

Allele frequency attached by ClinVar (database versions not stated): 1000 Genomes Project 30x 0.00031; ExAC 0.00031; TOPMed 0.00096; gnomAD exomes 0.00158 and 0.00238; gnomAD 0.00285 and 0.00306.
gnomAD v4.1: 2,498 of 1,470,828 alleles (0.17%); highest among the groups gnomAD compares: Non-Finnish European, 0.15%; 13 homozygotes.

Submissions (5):

Labcorp Genetics (formerly Invitae), Labcorp
Classification: Benign for Primary ciliary dyskinesia 28. Last evaluated: 2026-02-03. Review status: criteria provided, single submitter. Criteria: Invitae Variant Classification Sherloc (09022015). Collection method: clinical testing. Allele origin: germline.

Mayo Clinic Laboratories, Mayo Clinic
Classification: Benign. Last evaluated: 2025-02-14. Review status: criteria provided, single submitter. Criteria: ACMG Guidelines, 2015. Collection method: clinical testing. Allele origin: germline. Observed: 1 variant allele.
Comment: BS1, BS2, BP4_moderate

Blueprint Genetics
Classification: Likely benign. Last evaluated: 2024-11-22. Review status: criteria provided, single submitter. Criteria: ACMG Guidelines, 2015. Collection method: clinical testing. Allele origin: germline.

Ambry Genetics
Classification: Likely benign for Primary ciliary dyskinesia. Last evaluated: 2018-03-06. Review status: criteria provided, single submitter. Criteria: Ambry Variant Classification Scheme 2023. Collection method: clinical testing. Allele origin: germline.

PreventionGenetics, part of Exact Sciences
Classification: Benign for SPAG1-related condition. Last evaluated: 2020-02-24. Review status: no assertion criteria provided. Collection method: clinical testing. Allele origin: germline. Not counted in ClinVar's aggregate classification.
Comment: This variant is classified as benign based on ACMG/AMP sequence variant interpretation guidelines (Richards et al. 2015 PMID: 25741868, with internal and published modifications).